The following is an entry in ClinVar:

NM_020964.3(EPG5):c.7735C>G (p.Arg2579Gly)

Gene: EPG5 (ectopic P-granules 5 autophagy tethering factor; minus strand). Cytogenetic location: 18q12.3.
Variant type: single nucleotide variant.
Coding change: c.7735C>G on transcript NM_020964.3 (MANE Select); coding-DNA position 7735, C replaced by G.
Protein change: p.Arg2579Gly; replaces arginine 2579 with glycine.
Molecular consequence: missense variant.
Genome position (GRCh38, 1-based): chr18:45,852,472, G>C on the plus strand (C>G on the coding strand, the complement: EPG5 is on the minus strand). VCF-style: chr18-45852472-G-C. GRCh37 (hg19) VCF-style: chr18-43432437-G-C.
Other names: short protein forms R2579G.
Identifiers: ClinVar variation 1033560 (VCV001033560.4), dbSNP rs1171989598, ClinGen allele CA402335095.

ClinVar aggregate classification (germline): Uncertain significance. Review status: criteria provided, multiple submitters, no conflicts (2 of 4 stars). 2 submissions from 2 submitters: Uncertain significance (2). Last evaluated 2021-12-25.

Conditions:
Vici syndrome (VICIS). Identifiers: Orphanet 1493, MedGen C1855772, MONDO:0009452, OMIM 242840.

Allele frequency attached by ClinVar (database versions not stated): gnomAD exomes 0.00001; gnomAD 0.00002; TOPMed 0.00002.
gnomAD v4.1: 11 of 1,613,318 alleles (0.00068%); highest among the groups gnomAD compares: Admixed American, 0.015%; no homozygotes.

Submissions (2):

Labcorp Genetics (formerly Invitae), Labcorp
Classification: Uncertain significance for Vici syndrome. Last evaluated: 2021-12-25. Review status: criteria provided, single submitter. Criteria: Invitae Variant Classification Sherloc (09022015). Collection method: clinical testing. Allele origin: germline.
Comment: This sequence change replaces arginine, which is basic and polar, with glycine, which is neutral and non-polar, at codon 2579 of the EPG5 protein (p.Arg2579Gly). This variant is present in population databases (no rsID available, gnomAD 0.006%). This variant has not been reported in the literature in individuals affected with EPG5-related conditions. ClinVar contains an entry for this variant (Variation ID: 1033560). Algorithms developed to predict the effect of missense changes on protein structure and function are either unavailable or do not agree on the potential impact of this missense change (SIFT: "Tolerated"; PolyPhen-2: "Probably Damaging"; Align-GVGD: "Class C0"). Algorithms developed to predict the effect of sequence changes on RNA splicing suggest that this variant may create or strengthen a splice site. In summary, the available evidence is currently insufficient to determine the role of this variant in disease. Therefore, it has been classified as a Variant of Uncertain Significance.

Baylor Genetics
Classification: Uncertain significance for Vici syndrome. Last evaluated: 2018-04-10. Review status: criteria provided, single submitter. Criteria: ACMG Guidelines, 2015. Collection method: clinical testing. Allele origin: paternal. Affected: yes.
Comment: This variant was determined to be of uncertain significance according to ACMG Guidelines, 2015 [PMID:25741868].